The following is an entry in ClinVar:

ClinVar aggregate classification (germline): Conflicting classifications of pathogenicity. Review status: criteria provided, conflicting classifications (1 of 4 stars). 4 submissions from 4 submitters: Uncertain significance (1); Benign (1); Likely benign (2). Last evaluated 2025-05-27.

Conditions:
FOXC1-related disorder. Also called: FOXC1-related condition.
Axenfeld-Rieger syndrome type 3 (RIEG3). Also called: AXENFELD-RIEGER ANOMALY WITH CARDIAC DEFECTS AND/OR SENSORINEURAL HEARING LOSS. Identifiers: Orphanet 782, MedGen C2678503, MONDO:0011233, OMIM 602482.

Allele frequency attached by ClinVar (database versions not stated): ESP Exome Variant Server 0.00008; TOPMed 0.00009; gnomAD 0.00012 and 0.00016; gnomAD exomes 0.00022 and 0.00040; ExAC 0.00048.

Submissions (4):

Labcorp Genetics (formerly Invitae), Labcorp
Classification: Benign for Axenfeld-Rieger syndrome type 3. Last evaluated: 2025-05-27. Review status: criteria provided, single submitter. Criteria: Invitae Variant Classification Sherloc (09022015). Collection method: clinical testing. Allele origin: germline.

PreventionGenetics, part of Exact Sciences
Classification: Likely benign for FOXC1-related condition. Last evaluated: 2025-02-19. Review status: criteria provided, single submitter. Criteria: ACMG Guidelines, 2015. Collection method: clinical testing. Allele origin: germline.
Comment: This variant is classified as likely benign based on ACMG/AMP sequence variant interpretation guidelines (Richards et al. 2015 PMID: 25741868, with internal and published modifications).

Blueprint Genetics
Classification: Likely benign. Last evaluated: 2024-09-11. Review status: criteria provided, single submitter. Criteria: ACMG Guidelines, 2015. Collection method: clinical testing. Allele origin: germline.

Eurofins Ntd Llc (ga)
Classification: Uncertain significance. Last evaluated: 2015-01-20. Review status: criteria provided, single submitter. Criteria: EGL Classification Definitions 2015. Collection method: clinical testing. Allele origin: germline. Observed: 1 variant allele, 1 heterozygote.

NM_001453.3(FOXC1):c.279C>T (p.Asn93=)

Genes: FOXC1 (forkhead box C1; plus strand), LOC129995601 (ATAC-STARR-seq lymphoblastoid active region 23864; plus strand). Cytogenetic location: 6p25.3.
Variant type: single nucleotide variant.
Coding change: c.279C>T on transcript NM_001453.3 (MANE Select); coding-DNA position 279, C replaced by T.
Protein change: p.Asn93=; no amino-acid change (asparagine 93 retained).
Molecular consequence: synonymous variant.
Genome position (GRCh38, 1-based): chr6:1,610,724, C>T. VCF-style: chr6-1610724-C-T. GRCh37 (hg19) VCF-style: chr6-1610959-C-T.
Identifiers: ClinVar variation 193206 (VCV000193206.16), dbSNP rs141798688, ClinGen allele CA238720.
Genomic context (GRCh38, chr6:1,610,724, plus strand): 5'-CAAGGACATGGTGAAGCCGCCCTATAGCTACATCGCGCTCATCACCATGGCCATCCAGAA[C>T]GCCCCGGACAAGAAGATCACCCTGAACGGCATCTACCAGTTCATCATGGACCGCTTCCCC-3'
Protein context (NP_001444.2, residues 83-103): YIALITMAIQ[Asn93=]APDKKITLNG